The following is an entry in ClinVar:

NM_015474.4(SAMHD1):c.1499T>G (p.Val500Gly)

Gene: SAMHD1 (SAM and HD domain containing deoxynucleoside triphosphate triphosphohydrolase 1; minus strand). Cytogenetic location: 20q11.23.
Variant type: single nucleotide variant.
Coding change: c.1499T>G on transcript NM_015474.4 (MANE Select); coding-DNA position 1499, T replaced by G.
Protein change: p.Val500Gly; replaces valine 500 with glycine.
Molecular consequence: missense variant.
Genome position (GRCh38, 1-based): chr20:36,904,161, A>C on the plus strand (T>G on the coding strand, the complement: SAMHD1 is on the minus strand). VCF-style: chr20-36904161-A-C. GRCh37 (hg19) VCF-style: chr20-35532564-A-C.
Other names: c.1499T>G (NM_015474.3); c.1499T>G, p.Val500Gly (NM_001363729.2, NM_001363733.2); short protein forms V500G.
Identifiers: ClinVar variation 1403490 (VCV001403490.6), dbSNP rs747437917, ClinGen allele CA9844494.

ClinVar aggregate classification (germline): Uncertain significance (1 of 4 stars; one submission).

Conditions:
Aicardi-Goutieres syndrome 5. Identifiers: Orphanet 51, MedGen C2749659, MONDO:0013059, OMIM 612952.

Allele frequency attached by ClinVar (database versions not stated): ExAC 0.00001; gnomAD exomes 0.00001.
gnomAD v4.1: 26 of 1,604,704 alleles (0.0016%); highest among the groups gnomAD compares: Non-Finnish European, 0.0022%; no homozygotes.

Submission:

Labcorp Genetics (formerly Invitae), Labcorp
Classification: Uncertain significance for Aicardi-Goutieres syndrome 5. Last evaluated: 2022-07-06. Review status: criteria provided, single submitter. Criteria: Invitae Variant Classification Sherloc (09022015). Collection method: clinical testing. Allele origin: germline.
Comment: This sequence change replaces valine, which is neutral and non-polar, with glycine, which is neutral and non-polar, at codon 500 of the SAMHD1 protein (p.Val500Gly). This variant is present in population databases (rs747437917, gnomAD 0.003%). This variant has not been reported in the literature in individuals affected with SAMHD1-related conditions. ClinVar contains an entry for this variant (Variation ID: 1403490). Algorithms developed to predict the effect of missense changes on protein structure and function are either unavailable or do not agree on the potential impact of this missense change (SIFT: "Deleterious"; PolyPhen-2: "Probably Damaging"; Align-GVGD: "Class C0"). In summary, the available evidence is currently insufficient to determine the role of this variant in disease. Therefore, it has been classified as a Variant of Uncertain Significance.